The following is an entry in ClinVar:

ClinVar aggregate classification (germline): Uncertain significance. Review status: criteria provided, multiple submitters, no conflicts (2 of 4 stars). 3 submissions from 2 submitters: Uncertain significance (3). Last evaluated 2022-07-19.

Conditions:
Weill-Marchesani syndrome. Also called: WM Syndrome; Mesodermal dysmorphodystrophy congenital. Identifiers: Orphanet 3449, MedGen C0265313, MONDO:0018096.
Glaucoma 3, primary congenital, D. Identifiers: Orphanet 98976, MedGen C2751316, MONDO:0013122, OMIM 613086.

Allele frequency attached by ClinVar (database versions not stated): TOPMed 0.00007; 1000 Genomes Project 0.00040; 1000 Genomes Project 30x 0.00047.
gnomAD v4.1: 165 of 1,609,752 alleles (0.01%); highest among the groups gnomAD compares: African/African-American, 0.013%; 1 homozygote.

Submissions (3):

Labcorp Genetics (formerly Invitae), Labcorp
Classification: Uncertain significance. Last evaluated: 2022-07-19. Review status: criteria provided, single submitter. Criteria: Invitae Variant Classification Sherloc (09022015). Collection method: clinical testing. Allele origin: germline.
Comment: This sequence change replaces glycine, which is neutral and non-polar, with tryptophan, which is neutral and slightly polar, at codon 1212 of the LTBP2 protein (p.Gly1212Trp). This variant is present in population databases (rs200532538, gnomAD 0.01%). This variant has not been reported in the literature in individuals affected with LTBP2-related conditions. ClinVar contains an entry for this variant (Variation ID: 884669). Algorithms developed to predict the effect of missense changes on protein structure and function are either unavailable or do not agree on the potential impact of this missense change (SIFT: "Deleterious"; PolyPhen-2: "Probably Damaging"; Align-GVGD: "Class C15"). In summary, the available evidence is currently insufficient to determine the role of this variant in disease. Therefore, it has been classified as a Variant of Uncertain Significance.

Illumina Laboratory Services, Illumina
Classification: Uncertain significance for Glaucoma 3, primary congenital, D. Last evaluated: 2018-01-12. Review status: criteria provided, single submitter. Criteria: ICSL Variant Classification Criteria 13 December 2019. Collection method: clinical testing. Allele origin: germline.

Illumina Laboratory Services, Illumina
Classification: Uncertain significance for Weill-Marchesani syndrome. Last evaluated: 2018-01-12. Review status: criteria provided, single submitter. Criteria: ICSL Variant Classification Criteria 13 December 2019. Collection method: clinical testing. Allele origin: germline.

NM_000428.3(LTBP2):c.3634G>T (p.Gly1212Trp)

Gene: LTBP2 (latent transforming growth factor beta binding protein 2; minus strand). Cytogenetic location: 14q24.3.
Variant type: single nucleotide variant.
Coding change: c.3634G>T on transcript NM_000428.3 (MANE Select); coding-DNA position 3634, G replaced by T.
Protein change: p.Gly1212Trp; replaces glycine 1212 with tryptophan.
Molecular consequence: missense variant.
Genome position (GRCh38, 1-based): chr14:74,508,622, C>A on the plus strand (G>T on the coding strand, the complement: LTBP2 is on the minus strand). VCF-style: chr14-74508622-C-A. GRCh37 (hg19) VCF-style: chr14-74975325-C-A.
Other names: short protein forms G1212W.
Identifiers: ClinVar variation 884669 (VCV000884669.6), dbSNP rs200532538, ClinGen allele CA7269095.